The following is an entry in ClinVar:

ClinVar aggregate classification (germline): Likely benign (1 of 4 stars; one submission).

gnomAD v4.1: 373 of 1,613,632 alleles (0.023%); highest among the groups gnomAD compares: African/African-American, 0.34%; no homozygotes.

Submission:

CeGaT Center for Human Genetics Tuebingen
Classification: Likely benign. Last evaluated: 2025-04-01. Review status: criteria provided, single submitter. Criteria: CeGaT Center For Human Genetics Tuebingen Variant Classification Criteria Version 2. Collection method: clinical testing. Allele origin: germline. Affected: yes. Observed: 1 variant allele.
Comment: KIF21B: BP4, BP7

NM_001252102.2(KIF21B):c.531C>T (p.His177=)

Gene: KIF21B (kinesin family member 21B; minus strand). Cytogenetic location: 1q32.1.
Variant type: single nucleotide variant.
Coding change: c.531C>T on transcript NM_001252102.2 (MANE Select); coding-DNA position 531, C replaced by T.
Protein change: p.His177=; no amino-acid change (histidine 177 retained).
Molecular consequence: synonymous variant.
Genome position (GRCh38, 1-based): chr1:201,005,611, G>A on the plus strand (C>T on the coding strand, the complement: KIF21B is on the minus strand). VCF-style: chr1-201005611-G-A. GRCh37 (hg19) VCF-style: chr1-200974739-G-A.
Other names: c.531C>T, p.His177= (NM_001252100.2, NM_001252103.2, NM_017596.4).
Identifiers: ClinVar variation 3905085 (VCV003905085.10).